The following is an entry in ClinVar:

NM_000507.4(FBP1):c.334-15T>C

Gene: FBP1 (fructose-bisphosphatase 1; minus strand). Cytogenetic location: 9q22.32.
Variant type: single nucleotide variant.
Coding change: c.334-15T>C on transcript NM_000507.4 (MANE Select); 15 bases into the intron before coding-DNA position 334, T replaced by C.
Molecular consequence: intron variant.
Genome position (GRCh38, 1-based): chr9:94,617,875, A>G on the plus strand (T>C on the coding strand, the complement: FBP1 is on the minus strand). VCF-style: chr9-94617875-A-G. GRCh37 (hg19) VCF-style: chr9-97380157-A-G.
Other names: c.334-15T>C (NM_001127628.2).
Identifiers: ClinVar variation 214357 (VCV000214357.13), dbSNP rs370920869, ClinGen allele CA325309.
Genomic context (GRCh38, chr9:94,617,875, plus strand): 5'-TGTTGGAAGATCCATCAAGGGGATCAAAACAGACCACATATTTACCCTGAGCACAGAAAA[A>G]AGAAATACAACCTTAAAATGTTATAGCAAGATACACTAAAGGAGTATACATTAGGGGCTA-3'

ClinVar aggregate classification (germline): Conflicting classifications of pathogenicity. Review status: criteria provided, conflicting classifications (1 of 4 stars). 4 submissions from 4 submitters: Uncertain significance (1); Benign (2); Likely benign (1). Last evaluated 2026-01-26.

Conditions:
Fructose-biphosphatase deficiency (FBP1D). Also called: Fructose 1,6 Bisphosphatase Deficiency; Fructose-1,6-Diphosphatase Deficiency; Fructose-1,6-Bisphosphatase 1 Deficiency. Identifiers: Orphanet 348, MedGen C0016756, MONDO:0009251, OMIM 229700.

Allele frequency attached by ClinVar (database versions not stated): ExAC 0.00054; TOPMed 0.00056; gnomAD exomes 0.00057 and 0.00081; gnomAD 0.00060 and 0.00063; ESP Exome Variant Server 0.00062.
gnomAD v4.1: 1,232 of 1,571,752 alleles (0.078%); highest among the groups gnomAD compares: Non-Finnish European, 0.091%; no homozygotes.

Submissions (4):

Labcorp Genetics (formerly Invitae), Labcorp
Classification: Benign for Fructose-biphosphatase deficiency. Last evaluated: 2026-01-26. Review status: criteria provided, single submitter. Criteria: Invitae Variant Classification Sherloc (09022015). Collection method: clinical testing. Allele origin: germline.

Blueprint Genetics
Classification: Likely benign. Last evaluated: 2024-10-28. Review status: criteria provided, single submitter. Criteria: ACMG Guidelines, 2015. Collection method: clinical testing. Allele origin: germline.

Illumina Laboratory Services, Illumina
Classification: Uncertain significance for Fructose-biphosphatase deficiency. Last evaluated: 2018-01-12. Review status: criteria provided, single submitter. Criteria: ICSL Variant Classification Criteria 13 December 2019. Collection method: clinical testing. Allele origin: germline.

GeneDx
Classification: Benign. Last evaluated: 2014-07-07. Review status: criteria provided, single submitter. Criteria: GeneDx Variant Classification (06012015). Collection method: clinical testing. Allele origin: germline. Affected: yes.
Comment: This variant is considered likely benign or benign based on one or more of the following criteria: it is a conservative change, it occurs at a poorly conserved position in the protein, it is predicted to be benign by multiple in silico algorithms, and/or has population frequency not consistent with disease.